The following is an entry in ClinVar:

NM_018263.6(ASXL2):c.4042A>G (p.Ser1348Gly)

Gene: ASXL2 (ASXL transcriptional regulator 2; minus strand). Cytogenetic location: 2p23.3.
Variant type: single nucleotide variant.
Coding change: c.4042A>G on transcript NM_018263.6 (MANE Select); coding-DNA position 4042, A replaced by G.
Protein change: p.Ser1348Gly; replaces serine 1348 with glycine.
Molecular consequence: missense variant.
Genome position (GRCh38, 1-based): chr2:25,742,295, T>C on the plus strand (A>G on the coding strand, the complement: ASXL2 is on the minus strand). VCF-style: chr2-25742295-T-C. GRCh37 (hg19) VCF-style: chr2-25965164-T-C.
Other names: c.3868A>G, p.Ser1290Gly (NM_001369346.1); c.3262A>G, p.Ser1088Gly (NM_001369347.1); short protein forms S1290G, S1088G, S1348G.
Identifiers: ClinVar variation 2801919 (VCV002801919.3), dbSNP rs1351236756, ClinGen allele CA346074409.

ClinVar aggregate classification (germline): Uncertain significance (1 of 4 stars; one submission).

Allele frequency attached by ClinVar (database versions not stated): TOPMed below 0.00001; gnomAD exomes 0.00001.
gnomAD v4.1: 9 of 1,613,946 alleles (0.00056%); highest among the groups gnomAD compares: Non-Finnish European, 0.00076%; no homozygotes.

Submission:

Labcorp Genetics (formerly Invitae), Labcorp
Classification: Uncertain significance. Last evaluated: 2023-02-07. Review status: criteria provided, single submitter. Criteria: Invitae Variant Classification Sherloc (09022015). Collection method: clinical testing. Allele origin: germline.
Comment: This sequence change replaces serine, which is neutral and polar, with glycine, which is neutral and non-polar, at codon 1348 of the ASXL2 protein (p.Ser1348Gly). This variant is present in population databases (no rsID available, gnomAD 0.0009%). In summary, the available evidence is currently insufficient to determine the role of this variant in disease. Therefore, it has been classified as a Variant of Uncertain Significance. Advanced modeling of protein sequence and biophysical properties (such as structural, functional, and spatial information, amino acid conservation, physicochemical variation, residue mobility, and thermodynamic stability) performed at Invitae indicates that this missense variant is not expected to disrupt ASXL2 protein function. This variant has not been reported in the literature in individuals affected with ASXL2-related conditions.